The following is an entry in ClinVar:

ClinVar aggregate classification (germline): Pathogenic (1 of 4 stars; one submission).

Conditions:
Mucopolysaccharidosis, MPS-III-B (MPS3B). Also called: MPS III B; MUCOPOLYSACCHARIDOSIS, TYPE IIIB; N-ACETYL-ALPHA-D-GLUCOSAMINIDASE DEFICIENCY; NAGLU DEFICIENCY; SANFILIPPO SYNDROME B; Mucopolysaccharidosis type IIIB (Sanfilippo B). Identifiers: Orphanet 79270, MedGen C0086648, MONDO:0009656, OMIM 252920.
Charcot-Marie-Tooth disease axonal type 2V. Also called: CHARCOT-MARIE-TOOTH NEUROPATHY, TYPE 2V; CHARCOT-MARIE-TOOTH DISEASE, AXONAL, AUTOSOMAL DOMINANT, TYPE 2V. Identifiers: Orphanet 447964, MedGen C5569050, MONDO:0014665, OMIM 616491.

Allele frequency attached by ClinVar (database versions not stated): gnomAD exomes below 0.00001; TOPMed 0.00001; gnomAD 0.00001.
gnomAD v4.1: 4 of 1,611,002 alleles (0.00025%); highest among the groups gnomAD compares: South Asian, 0.0011%; no homozygotes.

Submission:

Labcorp Genetics (formerly Invitae), Labcorp
Classification: Pathogenic for Charcot-Marie-Tooth disease axonal type 2V; Mucopolysaccharidosis, MPS-III-B. Last evaluated: 2025-08-01. Review status: criteria provided, single submitter. Criteria: Invitae Variant Classification Sherloc (09022015). Collection method: clinical testing. Allele origin: germline.
Comment: This sequence change replaces tyrosine, which is neutral and polar, with cysteine, which is neutral and slightly polar, at codon 658 of the NAGLU protein (p.Tyr658Cys). This variant is not present in population databases (gnomAD no frequency). This missense change has been observed in individual(s) with Sanfilippo syndrome (internal data). It has also been observed to segregate with disease in related individuals. ClinVar contains an entry for this variant (Variation ID: 572445). Invitae Evidence Modeling of protein sequence and biophysical properties (such as structural, functional, and spatial information, amino acid conservation, physicochemical variation, residue mobility, and thermodynamic stability) indicates that this missense variant is expected to disrupt NAGLU protein function with a positive predictive value of 95%. This variant disrupts the p.Tyr658 amino acid residue in NAGLU. Other variant(s) that disrupt this residue have been observed in individuals with NAGLU-related conditions (PMID: 11286389), which suggests that this may be a clinically significant amino acid residue. For these reasons, this variant has been classified as Pathogenic.

Literature cited by the submitters: PubMed 11286389.

NM_000263.4(NAGLU):c.1973A>G (p.Tyr658Cys)

Gene: NAGLU (N-acetyl-alpha-glucosaminidase; plus strand). Cytogenetic location: 17q21.2.
Variant type: single nucleotide variant.
Coding change: c.1973A>G on transcript NM_000263.4 (MANE Select); coding-DNA position 1973, A replaced by G.
Protein change: p.Tyr658Cys; replaces tyrosine 658 with cysteine.
Molecular consequence: missense variant.
Genome position (GRCh38, 1-based): chr17:42,543,979, A>G. VCF-style: chr17-42543979-A-G. GRCh37 (hg19) VCF-style: chr17-40695997-A-G.
Other names: short protein forms Y658C.
Identifiers: ClinVar variation 572445 (VCV000572445.11), dbSNP rs1230894568, ClinGen allele CA399605696.